The following is an entry in ClinVar:

ClinVar aggregate classification (germline): Pathogenic. Review status: criteria provided, single submitter (1 of 4 stars). 4 submissions from 3 submitters: Pathogenic (1). 3 of the submissions do not count toward it. Last evaluated 2015-08-05.

Conditions:
BETHLEM MYOPATHY 1B, AUTOSOMAL RECESSIVE.
Bethlem myopathy 1A. Also called: Bethlem Muscular Dystrophy; Bethlem myopathy 1; MYOPATHY, BENIGN CONGENITAL, WITH CONTRACTURES. Identifiers: Orphanet 610, MedGen CN029274, MONDO:0024530, OMIM 158810.
Myosclerosis. Also called: MYOPATHY, MYOSCLEROTIC; MYOSCLEROSIS, CONGENITAL, OF LOWENTHAL; Myosclerosis, congenital. Identifiers: Orphanet 289380, MedGen C1850671, MONDO:0009714, OMIM 255600.

Allele frequency attached by ClinVar (database versions not stated): gnomAD exomes below 0.00001.

Submissions (4):

GeneDx
Classification: Pathogenic. Last evaluated: 2015-08-05. Review status: criteria provided, single submitter. Criteria: GeneDx Variant Classification (06012015). Collection method: clinical testing. Allele origin: germline. Affected: yes.
Comment: The Q819X nonsense variant in the COL6A2 gene has been reported multiple times in association withautosomal recessive forms of COL6A2-related myopathies (Merlini et al., 2008; Gualandi et al., 2009;Foley et al., 2013). Individuals harboring this variant in either the homozygous or compound heterozygousstate were noted to have abnormal collagen VI, as well as overall decreased levels of collagen VI, inmuscle tissue (Merlini et al., 2008; Gualandi et al., 2009). This variant is predicted to cause loss of normalfunction through protein truncation. The Q819X variant was not observed in approximately 6,500individuals of European and African American ancestry in the NHLBI Exome Sequencing Project,indicating it is not a common benign variant in these populations. Therefore, we interpret Q819X as a pathogenic variant.

OMIM
Classification: Pathogenic for MYOSCLEROSIS, AUTOSOMAL RECESSIVE (1 family). Last evaluated: 2009-12-01. Review status: no assertion criteria provided. Collection method: literature only. Allele origin: germline. Not counted in ClinVar's aggregate classification.

OMIM
Classification: Pathogenic for BETHLEM MYOPATHY 1B, AUTOSOMAL RECESSIVE. Last evaluated: 2009-12-01. Review status: no assertion criteria provided. Collection method: literature only. Allele origin: germline. Not counted in ClinVar's aggregate classification.

GeneReviews
No classification provided. Condition: Bethlem myopathy 1A. Review status: no classification provided. Collection method: literature only. Allele origin: germline. Not counted in ClinVar's aggregate classification.
Comment: Common variant that in homozygosity results in a truncated alpha(VI) chain lacking C2 domain

Literature cited by the submitters: PubMed 18852439 (cited by OMIM and GeneReviews); PubMed 19949035 (cited by OMIM); PubMed 4793163 (cited by GeneReviews); PubMed 20301676 (cited by GeneReviews).

NM_001849.4(COL6A2):c.2455C>T (p.Gln819Ter)

Gene: COL6A2 (collagen type VI alpha 2 chain; plus strand). Cytogenetic location: 21q22.3.
Variant type: single nucleotide variant.
Coding change: c.2455C>T on transcript NM_001849.4 (MANE Select); coding-DNA position 2455, C replaced by T.
Protein change: p.Gln819Ter; replaces glutamine 819 with a stop codon.
Molecular consequence: nonsense.
Genome position (GRCh38, 1-based): chr21:46,126,535, C>T. VCF-style: chr21-46126535-C-T. GRCh37 (hg19) VCF-style: chr21-47546449-C-T.
Other names: c.2455C>T, p.Gln819Ter (NM_058174.3, NM_058175.3); short protein forms Q819*.
Identifiers: ClinVar variation 17165 (VCV000017165.10), dbSNP rs121912942, ClinGen allele CA127109.
Genomic context (GRCh38, chr21:46,126,535, plus strand): 5'-CTGGCCCGGCCTCTCTCCTCTCTTCCAGACCCTCAGATCGTGTGCCCAGACCTTCCCTGC[C>T]AAACAGGTAATGCAGGGCACCCTGAGCCACCACCCCAGACTAGCAAAGCAGCCCTGGTGT-3'